The following is an entry in ClinVar:

NM_001082486.1(ACD):c.170C>T (p.Ala57Val)

Gene: ACD (ACD shelterin complex subunit and telomerase recruitment factor; minus strand). Cytogenetic location: 16q22.1.
Variant type: single nucleotide variant.
Coding change: c.170C>T on transcript NM_001082486.1; coding-DNA position 170, C replaced by T.
Protein change: p.Ala57Val; replaces alanine 57 with valine.
Genome position (GRCh38, 1-based): chr16:67,660,309, G>A on the plus strand (C>T on the coding strand, the complement: ACD is on the minus strand). VCF-style: chr16-67660309-G-A. GRCh37 (hg19) VCF-style: chr16-67694212-G-A.
Other names: short protein forms A57V.
Identifiers: ClinVar variation 3479873 (VCV003479873.1).

ClinVar aggregate classification (germline): Uncertain significance (1 of 4 stars; one submission).

Conditions:
Inborn genetic diseases. Identifiers: MedGen C0950123, MeSH D030342.

Submission:

Ambry Genetics
Classification: Uncertain significance for Inborn genetic diseases. Last evaluated: 2024-10-05. Review status: criteria provided, single submitter. Criteria: Ambry Variant Classification Scheme 2023. Collection method: clinical testing. Allele origin: germline.
Comment: The p.A57V variant (also known as c.170C>T), located in coding exon 1 of the ACD gene, results from a C to T substitution at nucleotide position 170. The alanine at codon 57 is replaced by valine, an amino acid with similar properties. This amino acid position is conserved. In addition, this alteration is predicted to be tolerated by in silico analysis. Based on the available evidence, the clinical significance of this variant remains unclear.